The following is an entry in ClinVar:

ClinVar aggregate classification (germline): Uncertain significance (1 of 4 stars; one submission).

Conditions:
Isolated microphthalmia 5. Also called: Posterior Microphthalmia with Retinitis Pigmentosa, Foveoschisis, and Optic Disc Drusen. Identifiers: Orphanet 251279, MedGen C1970236, MONDO:0012605, OMIM 611040.

Submission:

Labcorp Genetics (formerly Invitae), Labcorp
Classification: Uncertain significance for Isolated microphthalmia 5. Last evaluated: 2022-11-15. Review status: criteria provided, single submitter. Criteria: Invitae Variant Classification Sherloc (09022015). Collection method: clinical testing. Allele origin: germline.
Comment: In summary, the available evidence is currently insufficient to determine the role of this variant in disease. Therefore, it has been classified as a Variant of Uncertain Significance. Algorithms developed to predict the effect of missense changes on protein structure and function (SIFT, PolyPhen-2, Align-GVGD) all suggest that this variant is likely to be disruptive. This variant has not been reported in the literature in individuals affected with MFRP-related conditions. This variant is not present in population databases (gnomAD no frequency). This sequence change replaces arginine, which is basic and polar, with tryptophan, which is neutral and slightly polar, at codon 214 of the MFRP protein (p.Arg214Trp).

NM_031433.4(MFRP):c.640A>T (p.Arg214Trp)

Genes: C1QTNF5 (C1q and TNF related 5; minus strand), MFRP (membrane frizzled-related protein; minus strand). Cytogenetic location: 11q23.3.
Variant type: single nucleotide variant.
Coding change: c.640A>T on transcript NM_031433.4 (MANE Select); coding-DNA position 640, A replaced by T.
Protein change: p.Arg214Trp; replaces arginine 214 with tryptophan.
Molecular consequence: missense variant. On other transcripts: 5 prime UTR variant (1).
Genome position (GRCh38, 1-based): chr11:119,345,421, T>A on the plus strand (A>T on the coding strand, the complement: MFRP is on the minus strand). VCF-style: chr11-119345421-T-A. GRCh37 (hg19) VCF-style: chr11-119216131-T-A.
Other names: c.-1997A>T (NM_015645.5); short protein forms R214W.
Identifiers: ClinVar variation 2051889 (VCV002051889.3), dbSNP rs1950552675, ClinGen allele CA382977864.